The following is an entry in ClinVar:

ClinVar aggregate classification (germline): Benign/Likely benign. Review status: criteria provided, multiple submitters, no conflicts (2 of 4 stars). 6 submissions from 6 submitters: Benign (4); Likely benign (2). Last evaluated 2026-02-02.

Conditions:
Familial adenomatous polyposis 1 (FAP1). Also called: FAMILIAL ADENOMATOUS POLYPOSIS 1, ATTENUATED; POLYPOSIS, ADENOMATOUS INTESTINAL. Identifiers: MedGen C2713442, MONDO:0021056, OMIM 175100. Disease mechanism: loss of function.

Submissions (6):

Labcorp Genetics (formerly Invitae), Labcorp
Classification: Benign for Familial adenomatous polyposis 1. Last evaluated: 2026-02-02. Review status: criteria provided, single submitter. Criteria: Invitae Variant Classification Sherloc (09022015). Collection method: clinical testing. Allele origin: germline.

Center for Genomic Medicine, Rigshospitalet, Copenhagen University Hospital
Classification: Benign. Last evaluated: 2025-03-04. Review status: criteria provided, single submitter. Criteria: ACMG Guidelines, 2015. Collection method: clinical testing. Allele origin: germline.

Blueprint Genetics
Classification: Likely benign. Last evaluated: 2024-10-24. Review status: criteria provided, single submitter. Criteria: ACMG Guidelines, 2015. Collection method: clinical testing. Allele origin: germline.

CeGaT Center for Human Genetics Tuebingen
Classification: Benign. Last evaluated: 2024-01-01. Review status: criteria provided, single submitter. Criteria: CeGaT Center For Human Genetics Tuebingen Variant Classification Criteria Version 2. Collection method: clinical testing. Allele origin: germline. Affected: yes. Observed: 1 variant allele.
Comment: APC: BS1, BS2

Quest Diagnostics Nichols Institute San Juan Capistrano
Classification: Benign. Last evaluated: 2019-05-16. Review status: criteria provided, single submitter. Criteria: Quest Diagnostics criteria. Collection method: clinical testing. Allele origin: unknown.

GeneDx
Classification: Likely benign. Last evaluated: 2018-06-28. Review status: criteria provided, single submitter. Criteria: GeneDx Variant Classification Process June 2021. Collection method: clinical testing. Allele origin: germline. Affected: yes.

NM_001127511.3(APC):c.-134_-133insG

Gene: APC (APC regulator of Wnt signaling pathway; plus strand). Cytogenetic location: 5q22.2.
Variant type: Insertion.
Coding change: c.-134_-133insG on transcript NM_001127511.3; 134 bases upstream of the start codon through 133 bases upstream of the start codon, G inserted.
Molecular consequence: 5 prime UTR variant. On other transcripts: non-coding transcript variant (2).
Genome position: GRCh38 VCF-style: chr5-112707584-T-TG. GRCh37 (hg19) VCF-style: chr5-112043281-T-TG.
Other names: c.-317_-316insG (NM_001354895.2, NM_001407447.1, NM_001407452.1 and 3 more transcripts); c.-134_-133insG (NM_001354897.2, NM_001354902.2, NM_001407446.1); c.-84_-83insG (NM_001407448.1, NM_001407450.1, NM_001407457.1 and 1 more transcripts); c.-108_-107insG (NM_001407453.1); c.-1352_-1351insG (NM_001407470.1, NM_001407472.1).
Identifiers: ClinVar variation 1168689 (VCV001168689.34), dbSNP rs1561393341, ClinGen allele CA445747843.
Genomic context (GRCh38, chr5:112,707,584, plus strand): 5'-AGATGGCGGAGGGCAAGTAGCAAGGGGGCGGGGTGTGGCCGCCGGAAGCCTAGCCGCTGC[T>TG]CGGGGGGGACCTGCGGGCTCAGGCCCGGGAGCTGCGGACCGAGGTTGGCTCGATGCTGTT-3'